The following is an entry in ClinVar:

NM_016932.5(SIX2):c.694C>A (p.Leu232Ile)

Gene: SIX2 (SIX homeobox 2; minus strand). Cytogenetic location: 2p21.
Variant type: single nucleotide variant.
Coding change: c.694C>A on transcript NM_016932.5 (MANE Select); coding-DNA position 694, C replaced by A.
Protein change: p.Leu232Ile; replaces leucine 232 with isoleucine.
Molecular consequence: missense variant.
Genome position (GRCh38, 1-based): chr2:45,006,352, G>T on the plus strand (C>A on the coding strand, the complement: SIX2 is on the minus strand). VCF-style: chr2-45006352-G-T. GRCh37 (hg19) VCF-style: chr2-45233491-G-T.
Other names: short protein forms L232I.
Identifiers: ClinVar variation 2183703 (VCV002183703.4), dbSNP rs148356487, ClinGen allele CA1642496.

ClinVar aggregate classification (germline): Uncertain significance (1 of 4 stars; one submission).

Allele frequency attached by ClinVar (database versions not stated): ExAC 0.00012; TOPMed 0.00019; gnomAD 0.00021; ESP Exome Variant Server 0.00023; 1000 Genomes Project 0.00060; 1000 Genomes Project 30x 0.00094.
gnomAD v4.1: 57 of 1,614,120 alleles (0.0035%); highest among the groups gnomAD compares: African/African-American, 0.067%; no homozygotes.

Submission:

Labcorp Genetics (formerly Invitae), Labcorp
Classification: Uncertain significance. Last evaluated: 2022-11-08. Review status: criteria provided, single submitter. Criteria: Invitae Variant Classification Sherloc (09022015). Collection method: clinical testing. Allele origin: germline.
Comment: This variant has not been reported in the literature in individuals affected with SIX2-related conditions. This variant is present in population databases (rs148356487, gnomAD 0.08%), and has an allele count higher than expected for a pathogenic variant. This sequence change replaces leucine, which is neutral and non-polar, with isoleucine, which is neutral and non-polar, at codon 232 of the SIX2 protein (p.Leu232Ile). Algorithms developed to predict the effect of missense changes on protein structure and function are either unavailable or do not agree on the potential impact of this missense change (SIFT: "Deleterious"; PolyPhen-2: "Benign"; Align-GVGD: "Class C0"). In summary, the available evidence is currently insufficient to determine the role of this variant in disease. Therefore, it has been classified as a Variant of Uncertain Significance.